The following is an entry in ClinVar:

NM_004047.5(ATP6V0B):c.591+126T>G

Gene: ATP6V0B (ATPase H+ transporting V0 subunit b; plus strand). Cytogenetic location: 1p34.1.
Variant type: single nucleotide variant.
Coding change: c.591+126T>G on transcript NM_004047.5 (MANE Select); 126 bases into the intron after coding-DNA position 591, T replaced by G.
Molecular consequence: intron variant. On other transcripts: synonymous variant (1).
Genome position (GRCh38, 1-based): chr1:43,977,342, T>G. VCF-style: chr1-43977342-T-G. GRCh37 (hg19) VCF-style: chr1-44443014-T-G.
Other names: c.717T>G, p.Pro239= (NM_001294333.2); c.450+126T>G (NM_001039457.3).
Identifiers: ClinVar variation 2638763 (VCV002638763.24), dbSNP rs755827844, ClinGen allele CA816423.

ClinVar aggregate classification (germline): Likely benign (1 of 4 stars; one submission).

Allele frequency attached by ClinVar (database versions not stated): gnomAD 0.00001; gnomAD exomes 0.00001; TOPMed 0.00002; ExAC 0.00003.
gnomAD v4.1: 25 of 1,565,016 alleles (0.0016%); highest among the groups gnomAD compares: Admixed American, 0.0038%; no homozygotes.

Submission:

CeGaT Center for Human Genetics Tuebingen
Classification: Likely benign. Last evaluated: 2022-12-01. Review status: criteria provided, single submitter. Criteria: CeGaT Center For Human Genetics Tuebingen Variant Classification Criteria Version 2. Collection method: clinical testing. Allele origin: germline. Affected: yes. Observed: 1 variant allele.
Comment: ATP6V0B: BP4, BP7